The following is an entry in ClinVar:

ClinVar aggregate classification (germline): Conflicting classifications of pathogenicity. Review status: criteria provided, conflicting classifications (1 of 4 stars). 4 submissions from 4 submitters: Uncertain significance (1); Benign (1); Likely benign (2). Last evaluated 2025-10-11.

Conditions:
Vitreoretinopathy. Also called: Vitreoretinal degeneration. Identifiers: MedGen C0344290, MONDO:0020248, HP:0007773.

Allele frequency attached by ClinVar (database versions not stated): gnomAD exomes 0.00025 and 0.00022; 1000 Genomes Project 30x 0.00031; 1000 Genomes Project 0.00040; gnomAD 0.00017 and 0.00018; TOPMed 0.00020; ESP Exome Variant Server 0.00023; ExAC 0.00024.
gnomAD v4.1: 355 of 1,614,036 alleles (0.022%); highest among the groups gnomAD compares: Middle Eastern, 0.082%; 1 homozygote.

Submissions (4):

Labcorp Genetics (formerly Invitae), Labcorp
Classification: Uncertain significance. Last evaluated: 2025-10-11. Review status: criteria provided, single submitter. Criteria: Invitae Variant Classification Sherloc (09022015). Collection method: clinical testing. Allele origin: germline.
Comment: This sequence change replaces lysine, which is basic and polar, with threonine, which is neutral and polar, at codon 745 of the VCAN protein (p.Lys745Thr). This variant is present in population databases (rs144502710, gnomAD 0.05%), and has an allele count higher than expected for a pathogenic variant. This variant has not been reported in the literature in individuals affected with VCAN-related conditions. ClinVar contains an entry for this variant (Variation ID: 259362). An algorithm developed to predict the effect of missense changes on protein structure and function outputs the following: PolyPhen-2: "Benign". The threonine amino acid residue is found in multiple mammalian species, which suggests that this missense change does not adversely affect protein function. In summary, the available evidence is currently insufficient to determine the role of this variant in disease. Therefore, it has been classified as a Variant of Uncertain Significance.

Blueprint Genetics
Classification: Likely benign. Last evaluated: 2024-09-10. Review status: criteria provided, single submitter. Criteria: ACMG Guidelines, 2015. Collection method: clinical testing. Allele origin: germline.

Illumina Laboratory Services, Illumina
Classification: Benign for Vitreoretinopathy. Last evaluated: 2018-01-13. Review status: criteria provided, single submitter. Criteria: ICSL Variant Classification Criteria 13 December 2019. Collection method: clinical testing. Allele origin: germline.
Comment: This variant was observed in the ICSL laboratory as part of a predisposition screen in an ostensibly healthy population. It had not been previously curated by ICSL or reported in the Human Gene Mutation Database (HGMD: prior to June 1st, 2018), and was therefore a candidate for classification through an automated scoring system. Utilizing variant allele frequency, disease prevalence and penetrance estimates, and inheritance mode, an automated score was calculated to assess if this variant is too frequent to cause the disease. Based on the score and internal cut-off values, a variant classified as benign is not then subjected to further curation. The score for this variant resulted in a classification of benign for this disease.

PreventionGenetics, part of Exact Sciences
Classification: Likely benign. Review status: criteria provided, single submitter. Criteria: ACMG Guidelines, 2015. Collection method: clinical testing. Allele origin: germline.

NM_004385.5(VCAN):c.2234A>C (p.Lys745Thr)

Gene: VCAN (versican; plus strand). Cytogenetic location: 5q14.3.
Variant type: single nucleotide variant.
Coding change: c.2234A>C on transcript NM_004385.5 (MANE Select); coding-DNA position 2234, A replaced by C.
Protein change: p.Lys745Thr; replaces lysine 745 with threonine.
Molecular consequence: missense variant. On other transcripts: intron variant (2).
Genome position (GRCh38, 1-based): chr5:83,520,540, A>C. VCF-style: chr5-83520540-A-C. GRCh37 (hg19) VCF-style: chr5-82816359-A-C.
Other names: c.2234A>C, p.Lys745Thr (NM_001164098.2); c.1042+8144A>C (NM_001164097.2, NM_001126336.3); short protein forms K745T.
Identifiers: ClinVar variation 259362 (VCV000259362.15), dbSNP rs144502710, ClinGen allele CA3332812.